The following is an entry in ClinVar:

ClinVar aggregate classification (germline): Uncertain significance (1 of 4 stars; one submission).

Conditions:
Long QT syndrome (LQTS). Identifiers: MedGen C0023976, MeSH D008133, MONDO:0002442. Disease mechanism: loss of function. Inheritance: Various modes of inheritance.

Submission:

Labcorp Genetics (formerly Invitae), Labcorp
Classification: Uncertain significance for Long QT syndrome. Last evaluated: 2024-07-16. Review status: criteria provided, single submitter. Criteria: Invitae Variant Classification Sherloc (09022015). Collection method: clinical testing. Allele origin: germline.
Comment: This sequence change replaces serine, which is neutral and polar, with cysteine, which is neutral and slightly polar, at codon 463 of the KCNQ1 protein (p.Ser463Cys). This variant is not present in population databases (gnomAD no frequency). This variant has not been reported in the literature in individuals affected with KCNQ1-related conditions. Advanced modeling of protein sequence and biophysical properties (such as structural, functional, and spatial information, amino acid conservation, physicochemical variation, residue mobility, and thermodynamic stability) has been performed at Invitae for this missense variant, however the output from this modeling did not meet the statistical confidence thresholds required to predict the impact of this variant on KCNQ1 protein function. In summary, the available evidence is currently insufficient to determine the role of this variant in disease. Therefore, it has been classified as a Variant of Uncertain Significance.

NM_000218.3(KCNQ1):c.1387A>T (p.Ser463Cys)

Gene: KCNQ1 (potassium voltage-gated channel subfamily Q member 1; plus strand). Cytogenetic location: 11p15.5.
Variant type: single nucleotide variant.
Coding change: c.1387A>T on transcript NM_000218.3 (MANE Select); coding-DNA position 1387, A replaced by T.
Protein change: p.Ser463Cys; replaces serine 463 with cysteine.
Molecular consequence: missense variant.
Genome position (GRCh38, 1-based): chr11:2,588,848, A>T. VCF-style: chr11-2588848-A-T. GRCh37 (hg19) VCF-style: chr11-2610078-A-T.
Other names: c.1291A>T, p.Ser431Cys (NM_001406836.1); c.1117A>T, p.Ser373Cys (NM_001406837.1); c.847A>T, p.Ser283Cys (NM_001406838.1); c.1006A>T, p.Ser336Cys (NM_181798.2); short protein forms S283C, S373C, S336C, S431C, S463C.
Identifiers: ClinVar variation 3684154 (VCV003684154.2).